The following is an entry in ClinVar:

NM_032043.3(BRIP1):c.3601A>G (p.Ile1201Val)

Gene: BRIP1 (BRCA1 interacting DNA helicase 1; minus strand). Cytogenetic location: 17q23.2.
Variant type: single nucleotide variant.
Coding change: c.3601A>G on transcript NM_032043.3 (MANE Select); coding-DNA position 3601, A replaced by G.
Protein change: p.Ile1201Val; replaces isoleucine 1201 with valine.
Molecular consequence: missense variant.
Genome position (GRCh38, 1-based): chr17:61,683,445, T>C on the plus strand (A>G on the coding strand, the complement: BRIP1 is on the minus strand). VCF-style: chr17-61683445-T-C. GRCh37 (hg19) VCF-style: chr17-59760806-T-C.
Other names: short protein forms I1201V.
Identifiers: ClinVar variation 2061306 (VCV002061306.4), dbSNP rs1396175226, ClinGen allele CA400478089.

ClinVar aggregate classification (germline): Uncertain significance (1 of 4 stars; one submission).

Conditions:
Familial cancer of breast. Also called: Hereditary breast cancer; hereditary breast carcinoma; BREAST CANCER, FAMILIAL. Identifiers: Orphanet 227535, MedGen C0346153, MONDO:0016419, OMIM 114480. Disease mechanism: loss of function.
Fanconi anemia complementation group J. Also called: BRIP1-Related Fanconi Anemia. Identifiers: Orphanet 84, MedGen C1836860, MONDO:0012187, OMIM 609054.

Allele frequency attached by ClinVar (database versions not stated): TOPMed below 0.00001; gnomAD 0.00001.
gnomAD v4.1: 1 of 1,613,444 alleles (0.000062%); highest among the groups gnomAD compares: East Asian, 0.0022%; no homozygotes.

Submission:

Labcorp Genetics (formerly Invitae), Labcorp
Classification: Uncertain significance for Familial cancer of breast; Fanconi anemia complementation group J. Last evaluated: 2025-12-08. Review status: criteria provided, single submitter. Criteria: Invitae Variant Classification Sherloc (09022015). Collection method: clinical testing. Allele origin: germline.
Comment: This sequence change replaces isoleucine, which is neutral and non-polar, with valine, which is neutral and non-polar, at codon 1201 of the BRIP1 protein (p.Ile1201Val). This variant is not present in population databases (gnomAD no frequency). This variant has not been reported in the literature in individuals affected with BRIP1-related conditions. ClinVar contains an entry for this variant (Variation ID: 2061306). Invitae Evidence Modeling of protein sequence and biophysical properties (such as structural, functional, and spatial information, amino acid conservation, physicochemical variation, residue mobility, and thermodynamic stability) indicates that this missense variant is not expected to disrupt BRIP1 protein function with a negative predictive value of 95%. In summary, the available evidence is currently insufficient to determine the role of this variant in disease. Therefore, it has been classified as a Variant of Uncertain Significance.